The following is an entry in ClinVar:

NM_015215.4(CAMTA1):c.2176G>A (p.Val726Ile)

Gene: CAMTA1 (calmodulin binding transcription activator 1; plus strand). Cytogenetic location: 1p36.23.
Variant type: single nucleotide variant.
Coding change: c.2176G>A on transcript NM_015215.4 (MANE Select); coding-DNA position 2176, G replaced by A.
Protein change: p.Val726Ile; replaces valine 726 with isoleucine.
Molecular consequence: missense variant.
Genome position (GRCh38, 1-based): chr1:7,664,723, G>A. VCF-style: chr1-7664723-G-A. GRCh37 (hg19) VCF-style: chr1-7724783-G-A.
Other names: c.2086G>A, p.Val696Ile (NM_001349608.2, NM_001349612.2); c.2176G>A, p.Val726Ile (NM_001349609.2, NM_001349610.2, NM_001410737.1); c.2104G>A, p.Val702Ile (NM_001410738.1); short protein forms V696I, V726I, V702I.
Identifiers: ClinVar variation 4761031 (VCV004761031.1).

ClinVar aggregate classification (germline): Uncertain significance (1 of 4 stars; one submission).

gnomAD v4.1: 1 of 1,608,914 alleles (0.000062%); no homozygotes.

Submission:

Labcorp Genetics (formerly Invitae), Labcorp
Classification: Uncertain significance. Last evaluated: 2026-01-27. Review status: criteria provided, single submitter. Criteria: Invitae Variant Classification Sherloc (09022015). Collection method: clinical testing. Allele origin: germline.
Comment: This sequence change replaces valine, which is neutral and non-polar, with isoleucine, which is neutral and non-polar, at codon 726 of the CAMTA1 protein (p.Val726Ile). This variant is not present in population databases (gnomAD no frequency). This variant has not been reported in the literature in individuals affected with CAMTA1-related conditions. Invitae Evidence Modeling of protein sequence and biophysical properties (such as structural, functional, and spatial information, amino acid conservation, physicochemical variation, residue mobility, and thermodynamic stability) indicates that this missense variant is not expected to disrupt CAMTA1 protein function with a negative predictive value of 80%. In summary, the available evidence is currently insufficient to determine the role of this variant in disease. Therefore, it has been classified as a Variant of Uncertain Significance.